The following is an entry in ClinVar:

ClinVar aggregate classification (germline): Likely pathogenic (1 of 4 stars; one submission).

Submission:

Mayo Clinic Laboratories, Mayo Clinic
Classification: Likely pathogenic. Last evaluated: 2023-03-01. Review status: criteria provided, single submitter. Criteria: ACMG Guidelines, 2015. Collection method: clinical testing. Allele origin: germline. Observed: 1 variant allele.
Comment: PM2, PVS1

NM_001355436.2(SPTB):c.6168dup (p.Ser2057fs)

Gene: SPTB (spectrin beta, erythrocytic; minus strand). Cytogenetic location: 14q23.3.
Variant type: Duplication.
Coding change: c.6168dup on transcript NM_001355436.2 (MANE Select); coding-DNA position 6168, one base duplicated (G; older notation c.6168dupG).
Protein change: p.Ser2057fs; shifts the reading frame from serine 2057.
Molecular consequence: frameshift variant.
Genome position (GRCh38, 1-based): chr14:64,767,714, C duplicated on the plus strand (G on the coding strand, the reverse complement: SPTB is on the minus strand). VCF-style (leftmost placement, unchanged base first): chr14-64767713-A-AC. GRCh37 (hg19) VCF-style: chr14-65234431-A-AC.
Other names: c.6168dup, p.Ser2057fs (NM_001024858.4, NM_001355437.2); short protein forms S2057fs.
Identifiers: ClinVar variation 2683448 (VCV002683448.1), dbSNP rs2503032382, ClinGen allele CA2697553937.